The following is an entry in ClinVar:

NM_000135.4(FANCA):c.1007-2dup

Gene: FANCA (FA complementation group A; minus strand). Cytogenetic location: 16q24.3.
Variant type: Duplication.
Coding change: c.1007-2dup on transcript NM_000135.4 (MANE Select); the canonical splice acceptor site of the intron before coding-DNA position 1007, one base duplicated (A; older notation c.1007-2dupA).
Molecular consequence: splice acceptor variant.
Genome position (GRCh38, 1-based): chr16:89,792,549, T duplicated on the plus strand (A on the coding strand, the reverse complement: FANCA is on the minus strand). VCF-style (leftmost placement, unchanged base first): chr16-89792548-C-CT. GRCh37 (hg19) VCF-style: chr16-89858956-C-CT.
Other names: c.1007-2dup (NM_001286167.3).
Identifiers: ClinVar variation 1060597 (VCV001060597.7), dbSNP rs2143534850, ClinGen allele CA2499223862.

ClinVar aggregate classification (germline): Uncertain significance (1 of 4 stars; one submission).

Conditions:
Fanconi anemia (FA). Also called: Fanconi's anemia. Identifiers: Orphanet 84, MedGen C0015625, MeSH D005199, MONDO:0019391.

Submission:

Labcorp Genetics (formerly Invitae), Labcorp
Classification: Uncertain significance for Fanconi anemia. Last evaluated: 2020-10-19. Review status: criteria provided, single submitter. Criteria: Invitae Variant Classification Sherloc (09022015). Collection method: clinical testing. Allele origin: germline.
Comment: Nucleotide substitutions within the consensus splice site are a relatively common cause of aberrant splicing (PMID: 17576681, 9536098). Algorithms developed to predict the effect of sequence changes on RNA splicing suggest that this variant may disrupt the consensus splice site, but this prediction has not been confirmed by published transcriptional studies. This variant has not been reported in the literature in individuals with FANCA-related conditions. This variant is not present in population databases (ExAC no frequency). This sequence change falls in intron 11 of the FANCA gene. It does not directly change the encoded amino acid sequence of the FANCA protein. It affects a nucleotide within the consensus splice site of the intron. In summary, the available evidence is currently insufficient to determine the role of this variant in disease. Therefore, it has been classified as a Variant of Uncertain Significance.

Literature cited by the submitters: PubMed 17576681; PubMed 9536098.